The following is an entry in ClinVar:

ClinVar aggregate classification (germline): Likely benign (0 of 4 stars; one submission).

Conditions:
EPB41-related disorder. Also called: EPB41-related condition.

Allele frequency attached by ClinVar (database versions not stated): gnomAD exomes 0.00015; gnomAD 0.00017; ExAC 0.00029; TOPMed 0.00029; 1000 Genomes Project 30x 0.00062; 1000 Genomes Project 0.00080.
gnomAD v4.1: 238 of 1,614,142 alleles (0.015%); highest among the groups gnomAD compares: East Asian, 0.43%; 1 homozygote.

Submission:

PreventionGenetics, part of Exact Sciences
Classification: Likely benign for EPB41-related condition. Last evaluated: 2023-03-24. Review status: no assertion criteria provided. Collection method: clinical testing. Allele origin: germline.
Comment: This variant is classified as likely benign based on ACMG/AMP sequence variant interpretation guidelines (Richards et al. 2015 PMID: 25741868, with internal and published modifications).

NM_001376013.1(EPB41):c.2099G>A (p.Arg700Gln)

Gene: EPB41 (erythrocyte membrane protein band 4.1; plus strand). Cytogenetic location: 1p35.3.
Variant type: single nucleotide variant.
Coding change: c.2099G>A on transcript NM_001376013.1 (MANE Select); coding-DNA position 2099, G replaced by A.
Protein change: p.Arg700Gln; replaces arginine 700 with glutamine.
Molecular consequence: missense variant.
Genome position (GRCh38, 1-based): chr1:29,065,073, G>A. VCF-style: chr1-29065073-G-A. GRCh37 (hg19) VCF-style: chr1-29391585-G-A.
Other names: c.2099G>A, p.Arg700Gln (NM_001166005.2, NM_001376016.1, NM_001376017.1 and 1 more transcripts); c.2057G>A, p.Arg686Gln (NM_001166006.2); c.1310G>A, p.Arg437Gln (NM_001166007.2, NM_001376027.1); c.1994G>A, p.Arg665Gln (NM_001376014.1, NM_001376015.1); c.2096G>A, p.Arg699Gln (NM_001376018.1, NM_001376020.1); c.1937G>A, p.Arg646Gln (NM_001376021.1); c.1472G>A, p.Arg491Gln (NM_001376022.1, NM_001376023.1, NM_001376024.1 and 1 more transcripts); c.1364G>A, p.Arg455Gln (NM_001376026.1); and 4 more; short protein forms R436Q, R437Q, R455Q, R458Q, R477Q, R491Q, R611Q, R646Q.
Identifiers: ClinVar variation 3034242 (VCV003034242.2), dbSNP rs142267469, ClinGen allele CA724725.